The following is an entry in ClinVar:

ClinVar aggregate classification (germline): Uncertain significance (1 of 4 stars; one submission).

Allele frequency attached by ClinVar (database versions not stated): gnomAD exomes below 0.00001.
gnomAD v4.1: 1 of 1,611,610 alleles (0.000062%); highest among the groups gnomAD compares: Non-Finnish European, 0.000085%; no homozygotes.

Submission:

Labcorp Genetics (formerly Invitae), Labcorp
Classification: Uncertain significance. Last evaluated: 2024-06-03. Review status: criteria provided, single submitter. Criteria: Invitae Variant Classification Sherloc (09022015). Collection method: clinical testing. Allele origin: germline.
Comment: This sequence change replaces tyrosine, which is neutral and polar, with cysteine, which is neutral and slightly polar, at codon 340 of the ZBTB20 protein (p.Tyr340Cys). This variant is not present in population databases (gnomAD no frequency). This variant has not been reported in the literature in individuals affected with ZBTB20-related conditions. Advanced modeling of protein sequence and biophysical properties (such as structural, functional, and spatial information, amino acid conservation, physicochemical variation, residue mobility, and thermodynamic stability) performed at Invitae indicates that this missense variant is not expected to disrupt ZBTB20 protein function with a negative predictive value of 95%. In summary, the available evidence is currently insufficient to determine the role of this variant in disease. Therefore, it has been classified as a Variant of Uncertain Significance.

NM_001348800.3(ZBTB20):c.1019A>G (p.Tyr340Cys)

Gene: ZBTB20 (zinc finger and BTB domain containing 20; minus strand). Cytogenetic location: 3q13.31.
Variant type: single nucleotide variant.
Coding change: c.1019A>G on transcript NM_001348800.3 (MANE Select); coding-DNA position 1019, A replaced by G.
Protein change: p.Tyr340Cys; replaces tyrosine 340 with cysteine.
Molecular consequence: missense variant.
Genome position (GRCh38, 1-based): chr3:114,351,059, T>C on the plus strand (A>G on the coding strand, the complement: ZBTB20 is on the minus strand). VCF-style: chr3-114351059-T-C. GRCh37 (hg19) VCF-style: chr3-114069906-T-C.
Other names: c.1019A>G, p.Tyr340Cys (NM_001164342.2, NM_001348803.3, NM_001393393.1 and 1 more transcripts); c.800A>G, p.Tyr267Cys (NM_001164343.2, NM_001164344.4, NM_001164345.4 and 9 more transcripts); short protein forms Y267C, Y340C.
Identifiers: ClinVar variation 2987737 (VCV002987737.3), dbSNP rs2550503176, ClinGen allele CA354012134.